The following is an entry in ClinVar:

NM_002693.3(POLG):c.3437G>A (p.Arg1146His)

Gene: POLG (DNA polymerase gamma, catalytic subunit; minus strand). Cytogenetic location: 15q26.1.
Variant type: single nucleotide variant.
Coding change: c.3437G>A on transcript NM_002693.3 (MANE Select); coding-DNA position 3437, G replaced by A.
Protein change: p.Arg1146His; replaces arginine 1146 with histidine.
Molecular consequence: missense variant.
Genome position (GRCh38, 1-based): chr15:89,318,586, C>T on the plus strand (G>A on the coding strand, the complement: POLG is on the minus strand). VCF-style: chr15-89318586-C-T. GRCh37 (hg19) VCF-style: chr15-89861817-C-T.
Other names: c.3437G>A, p.Arg1146His (NM_001126131.2); short protein forms R1146H.
Identifiers: ClinVar variation 4711558 (VCV004711558.1).

ClinVar aggregate classification (germline): Uncertain significance (1 of 4 stars; one submission).

Conditions:
Progressive sclerosing poliodystrophy (MTDPS4A). Also called: Mitochondrial DNA depletion syndrome 4A (Alpers type); ALPERS PROGRESSIVE INFANTILE POLIODYSTROPHY; NEURONAL DEGENERATION OF CHILDHOOD WITH LIVER DISEASE, PROGRESSIVE; Alpers Syndrome; ALPERS DIFFUSE DEGENERATION OF CEREBRAL GRAY MATTER WITH HEPATIC CIRRHOSIS; Alpers-Huttenlocher Syndrome. Identifiers: Orphanet 726, MedGen C0205710, MONDO:0008758, OMIM 203700.

gnomAD v4.1: 18 of 1,614,066 alleles (0.0011%); highest among the groups gnomAD compares: Admixed American, 0.0017%; no homozygotes.

Submission:

Labcorp Genetics (formerly Invitae), Labcorp
Classification: Uncertain significance for Progressive sclerosing poliodystrophy. Last evaluated: 2025-10-07. Review status: criteria provided, single submitter. Criteria: Invitae Variant Classification Sherloc (09022015). Collection method: clinical testing. Allele origin: germline.
Comment: This sequence change replaces arginine, which is basic and polar, with histidine, which is basic and polar, at codon 1146 of the POLG protein (p.Arg1146His). This variant is present in population databases (no rsID available, gnomAD 0.002%). This variant has not been reported in the literature in individuals affected with POLG-related conditions. Invitae Evidence Modeling of protein sequence and biophysical properties (such as structural, functional, and spatial information, amino acid conservation, physicochemical variation, residue mobility, and thermodynamic stability) indicates that this missense variant is expected to disrupt POLG protein function with a positive predictive value of 95%. In summary, the available evidence is currently insufficient to determine the role of this variant in disease. Therefore, it has been classified as a Variant of Uncertain Significance.